The following is an entry in ClinVar:

ClinVar aggregate classification (germline): Uncertain significance (1 of 4 stars; one submission).

Conditions:
Cardiovascular phenotype. Identifiers: MedGen CN230736.

Submission:

Ambry Genetics
Classification: Uncertain significance for Cardiovascular phenotype. Last evaluated: 2023-01-30. Review status: criteria provided, single submitter. Criteria: Ambry Variant Classification Scheme 2023. Collection method: clinical testing. Allele origin: germline.
Comment: The p.A1855P variant (also known as c.5563G>C), located in coding exon 27 of the SCN10A gene, results from a G to C substitution at nucleotide position 5563. The alanine at codon 1855 is replaced by proline, an amino acid with highly similar properties. This amino acid position is conserved. In addition, this alteration is predicted to be deleterious by in silico analysis. Since supporting evidence is limited at this time, the clinical significance of this alteration remains unclear.

NM_006514.4(SCN10A):c.5563G>C (p.Ala1855Pro)

Gene: SCN10A (sodium voltage-gated channel alpha subunit 10; minus strand). Cytogenetic location: 3p22.2.
Variant type: single nucleotide variant.
Coding change: c.5563G>C on transcript NM_006514.4 (MANE Select); coding-DNA position 5563, G replaced by C.
Protein change: p.Ala1855Pro; replaces alanine 1855 with proline.
Molecular consequence: missense variant.
Genome position (GRCh38, 1-based): chr3:38,697,657, C>G on the plus strand (G>C on the coding strand, the complement: SCN10A is on the minus strand). VCF-style: chr3-38697657-C-G. GRCh37 (hg19) VCF-style: chr3-38739148-C-G.
Other names: c.5560G>C, p.Ala1854Pro (NM_001293306.2); c.5269G>C, p.Ala1757Pro (NM_001293307.2); short protein forms A1855P, A1854P, A1757P.
Identifiers: ClinVar variation 2448850 (VCV002448850.2), dbSNP rs769051766, ClinGen allele CA352152931.